The following is an entry in ClinVar:

NM_001015877.2(PHF6):c.240+9G>C

Gene: PHF6 (PHD finger protein 6; plus strand). Cytogenetic location: Xq26.2.
Variant type: single nucleotide variant.
Coding change: c.240+9G>C on transcript NM_001015877.2 (MANE Select); 9 bases into the intron after coding-DNA position 240, G replaced by C.
Molecular consequence: intron variant.
Genome position (GRCh38, 1-based): chrX:134,378,115, G>C. VCF-style: chrX-134378115-G-C. GRCh37 (hg19) VCF-style: chrX-133512145-G-C.
Other names: c.240+9G>C (NM_032458.3, NM_032335.3).
Identifiers: ClinVar variation 4988539 (VCV004988539.1).

ClinVar aggregate classification (germline): Likely benign (1 of 4 stars; one submission).

Conditions:
PHF6-related disorder. Also called: PHF6-related condition.

Submission:

PreventionGenetics, part of Exact Sciences
Classification: Likely benign for PHF6-related condition. Last evaluated: 2025-05-22. Review status: criteria provided, single submitter. Criteria: ACMG Guidelines, 2015. Collection method: clinical testing. Allele origin: germline.
Comment: This variant is classified as likely benign based on ACMG/AMP sequence variant interpretation guidelines (Richards et al. 2015 PMID: 25741868, with internal and published modifications).